The following is an entry in ClinVar:

ClinVar aggregate classification (germline): Uncertain significance (1 of 4 stars; one submission).

Conditions:
Mitochondrial complex II deficiency, nuclear type 1. Also called: SUCCINATE CoQ REDUCTASE DEFICIENCY. Identifiers: Orphanet 3208, MedGen C5700310, MONDO:0100294, OMIM 252011.
Pheochromocytoma/paraganglioma syndrome 5. Also called: Paragangliomas 5; SDHA-Related Hereditary Paraganglioma-Pheochromocytoma Syndrome. Identifiers: Orphanet 29072, MedGen C3279992, MONDO:0013602, OMIM 614165.

Submission:

Labcorp Genetics (formerly Invitae), Labcorp
Classification: Uncertain significance for Pheochromocytoma/paraganglioma syndrome 5; Mitochondrial complex II deficiency, nuclear type 1. Last evaluated: 2023-07-14. Review status: criteria provided, single submitter. Criteria: Invitae Variant Classification Sherloc (09022015). Collection method: clinical testing. Allele origin: germline.
Comment: Advanced modeling of protein sequence and biophysical properties (such as structural, functional, and spatial information, amino acid conservation, physicochemical variation, residue mobility, and thermodynamic stability) performed at Invitae indicates that this missense variant is not expected to disrupt SDHA protein function. In summary, the available evidence is currently insufficient to determine the role of this variant in disease. Therefore, it has been classified as a Variant of Uncertain Significance. ClinVar contains an entry for this variant (Variation ID: 539644). This variant has not been reported in the literature in individuals affected with SDHA-related conditions. This variant is not present in population databases (gnomAD no frequency). This sequence change replaces threonine, which is neutral and polar, with alanine, which is neutral and non-polar, at codon 386 of the SDHA protein (p.Thr386Ala).

NM_004168.4(SDHA):c.1156A>G (p.Thr386Ala)

Gene: SDHA (succinate dehydrogenase complex flavoprotein subunit A; plus strand). Cytogenetic location: 5p15.33.
Variant type: single nucleotide variant.
Coding change: c.1156A>G on transcript NM_004168.4 (MANE Select); coding-DNA position 1156, A replaced by G.
Protein change: p.Thr386Ala; replaces threonine 386 with alanine.
Molecular consequence: missense variant.
Genome position (GRCh38, 1-based): chr5:235,235, A>G. VCF-style: chr5-235235-A-G. GRCh37 (hg19) VCF-style: chr5-235350-A-G.
Other names: c.1012A>G, p.Thr338Ala (NM_001294332.2); c.1156A>G, p.Thr386Ala (NM_001330758.2); short protein forms T386A, T338A.
Identifiers: ClinVar variation 539644 (VCV000539644.7), dbSNP rs1553999461, ClinGen allele CA359013566.